The following is an entry in ClinVar:

NM_001042424.3(NSD2):c.242A>T (p.Asp81Val)

Gene: NSD2 (nuclear receptor binding SET domain protein 2; plus strand). Cytogenetic location: 4p16.3.
Variant type: single nucleotide variant.
Coding change: c.242A>T on transcript NM_001042424.3 (MANE Select); coding-DNA position 242, A replaced by T.
Protein change: p.Asp81Val; replaces aspartic acid 81 with valine.
Molecular consequence: missense variant.
Genome position (GRCh38, 1-based): chr4:1,900,896, A>T. VCF-style: chr4-1900896-A-T. GRCh37 (hg19) VCF-style: chr4-1902623-A-T.
Other names: c.242A>T, p.Asp81Val (NM_007331.2, NM_133330.3, NM_133331.3 and 2 more transcripts); short protein forms D81V.
Identifiers: ClinVar variation 2504971 (VCV002504971.1), dbSNP rs1717072109, ClinGen allele CA355990987.

ClinVar aggregate classification (germline): Uncertain significance (1 of 4 stars; one submission).

gnomAD v4.1: 1 of 1,613,332 alleles (0.000062%); no homozygotes.

Submission:

GeneDx
Classification: Uncertain significance. Last evaluated: 2022-12-12. Review status: criteria provided, single submitter. Criteria: GeneDx Variant Classification Process June 2021. Collection method: clinical testing. Allele origin: germline. Affected: yes.
Comment: Not observed at significant frequency in large population cohorts (gnomAD); In silico analysis supports that this missense variant has a deleterious effect on protein structure/function; Has not been previously published as pathogenic or benign to our knowledge